The following is an entry in ClinVar:

ClinVar aggregate classification (germline): Uncertain significance. Review status: criteria provided, multiple submitters, no conflicts (2 of 4 stars). 3 submissions from 3 submitters: Uncertain significance (3). Last evaluated 2025-03-25.

Conditions:
Inborn genetic diseases. Identifiers: MedGen C0950123, MeSH D030342.
Pitt-Hopkins-like syndrome 2 (PTHSL2). Identifiers: Orphanet 221150, Orphanet 600663, MedGen C3280479, MONDO:0013690, OMIM 614325.

Allele frequency attached by ClinVar (database versions not stated): gnomAD exomes below 0.00001 and 0.00001; gnomAD 0.00003; TOPMed 0.00009.
gnomAD v4.1: 8 of 1,608,164 alleles (0.0005%); highest among the groups gnomAD compares: Admixed American, 0.012%; no homozygotes.

Submissions (3):

Labcorp Genetics (formerly Invitae), Labcorp
Classification: Uncertain significance for Pitt-Hopkins-like syndrome 2. Last evaluated: 2025-03-25. Review status: criteria provided, single submitter. Criteria: Invitae Variant Classification Sherloc (09022015). Collection method: clinical testing. Allele origin: germline.
Comment: This sequence change replaces threonine, which is neutral and polar, with isoleucine, which is neutral and non-polar, at codon 1125 of the NRXN1 protein (p.Thr1125Ile). This variant is present in population databases (rs796052784, gnomAD 0.003%). This variant has not been reported in the literature in individuals affected with NRXN1-related conditions. ClinVar contains an entry for this variant (Variation ID: 206259). An algorithm developed to predict the effect of missense changes on protein structure and function (PolyPhen-2) suggests that this variant is likely to be disruptive. In summary, the available evidence is currently insufficient to determine the role of this variant in disease. Therefore, it has been classified as a Variant of Uncertain Significance.

Ambry Genetics
Classification: Uncertain significance for Inborn genetic diseases. Last evaluated: 2023-11-03. Review status: criteria provided, single submitter. Criteria: Ambry Variant Classification Scheme 2023. Collection method: clinical testing. Allele origin: germline.

GeneDx
Classification: Uncertain significance. Last evaluated: 2022-04-04. Review status: criteria provided, single submitter. Criteria: GeneDx Variant Classification Process June 2021. Collection method: clinical testing. Allele origin: germline. Affected: yes.
Comment: Not observed at significant frequency in large population cohorts (gnomAD); In silico analysis supports that this missense variant has a deleterious effect on protein structure/function; Has not been previously published as pathogenic or benign to our knowledge

NM_001330078.2(NRXN1):c.3254C>T (p.Thr1085Ile)

Gene: NRXN1 (neurexin 1; minus strand). Cytogenetic location: 2p16.3.
Variant type: single nucleotide variant.
Coding change: c.3254C>T on transcript NM_001330078.2 (MANE Select); coding-DNA position 3254, C replaced by T.
Protein change: p.Thr1085Ile; replaces threonine 1085 with isoleucine.
Molecular consequence: missense variant.
Genome position (GRCh38, 1-based): chr2:50,465,552, G>A on the plus strand (C>T on the coding strand, the complement: NRXN1 is on the minus strand). VCF-style: chr2-50465552-G-A. GRCh37 (hg19) VCF-style: chr2-50692690-G-A.
Other names: p.T1125I:ACA>ATA; c.3374C>T, p.Thr1125Ile (NM_001135659.3); c.3230C>T, p.Thr1077Ile (NM_001330077.2, NM_001330082.2); c.3188C>T, p.Thr1063Ile (NM_001330083.2, NM_001330084.2); c.3227C>T, p.Thr1076Ile (NM_001330085.2); c.3254C>T, p.Thr1085Ile (NM_001330086.2, NM_004801.6); c.3143C>T, p.Thr1048Ile (NM_001330087.2, NM_001330096.2); c.3173C>T, p.Thr1058Ile (NM_001330088.2); and 3 more; short protein forms T1125I, T1068I, T1085I, T1058I, T1077I, T1081I, T1048I, T1063I.
Identifiers: ClinVar variation 206259 (VCV000206259.17), dbSNP rs796052784, ClinGen allele CA316165.